The following is an entry in ClinVar:

ClinVar aggregate classification (germline): Likely benign (1 of 4 stars; one submission).

Allele frequency attached by ClinVar (database versions not stated): gnomAD exomes below 0.00001; ExAC 0.00001; TOPMed 0.00001.
gnomAD v4.1: 7 of 1,613,894 alleles (0.00043%); highest among the groups gnomAD compares: Admixed American, 0.0017%; no homozygotes.

Submission:

CeGaT Center for Human Genetics Tuebingen
Classification: Likely benign. Last evaluated: 2023-10-01. Review status: criteria provided, single submitter. Criteria: CeGaT Center For Human Genetics Tuebingen Variant Classification Criteria Version 2. Collection method: clinical testing. Allele origin: germline. Affected: yes. Observed: 1 variant allele.
Comment: TANC2: BP4, BP7

NM_001394998.1(TANC2):c.5466C>T (p.Ser1822=)

Gene: TANC2 (tetratricopeptide repeat, ankyrin repeat and coiled-coil containing 2; plus strand). Cytogenetic location: 17q23.3.
Variant type: single nucleotide variant.
Coding change: c.5466C>T on transcript NM_001394998.1 (MANE Select); coding-DNA position 5466, C replaced by T.
Protein change: p.Ser1822=; no amino-acid change (serine 1822 retained).
Molecular consequence: synonymous variant.
Genome position (GRCh38, 1-based): chr17:63,421,196, C>T. VCF-style: chr17-63421196-C-T. GRCh37 (hg19) VCF-style: chr17-61498557-C-T.
Other names: c.5244C>T, p.Ser1748= (NM_001411076.1); c.5214C>T, p.Ser1738= (NM_025185.4).
Identifiers: ClinVar variation 2648069 (VCV002648069.24), dbSNP rs776019476, ClinGen allele CA8698443.